The following is an entry in ClinVar:

ClinVar aggregate classification (germline): Uncertain significance (1 of 4 stars; one submission).

Submission:

GeneDx
Classification: Uncertain significance. Last evaluated: 2023-03-13. Review status: criteria provided, single submitter. Criteria: GeneDx Variant Classification Process June 2021. Collection method: clinical testing. Allele origin: germline. Affected: yes.
Comment: Not observed at significant frequency in large population cohorts (gnomAD); In-frame deletion of one amino acid in a non-repeat region; In silico analysis supports a deleterious effect on protein structure/function; Has not been previously published as pathogenic or benign to our knowledge

NM_000017.4(ACADS):c.154_156del (p.Glu52del)

Gene: ACADS (acyl-CoA dehydrogenase short chain; plus strand). Cytogenetic location: 12q24.31.
Variant type: Deletion.
Coding change: c.154_156del on transcript NM_000017.4 (MANE Select); coding-DNA positions 154 to 156, 3 bases deleted (GAG; older notation c.154_156delGAG).
Protein change: p.Glu52del; deletes glutamic acid 52.
Molecular consequence: inframe deletion.
Genome position (GRCh38, 1-based): chr12:120,727,133-120,727,135, GAG deleted; deleting any 3 consecutive bases within chr12:120,727,131-120,727,135 gives the same sequence; the c. name uses the placement nearest the transcript's 3' end. VCF-style (leftmost placement, unchanged base first): chr12-120727130-AAGG-A. GRCh37 (hg19) VCF-style: chr12-121164933-AAGG-A.
Other names: c.154_156del, p.Glu52del (NM_001302554.2); short protein forms E52del.
Identifiers: ClinVar variation 2580021 (VCV002580021.1), dbSNP rs1334212730, ClinGen allele CA684410450.